The following is an entry in ClinVar:

ClinVar aggregate classification (germline): Uncertain significance (1 of 4 stars; one submission).

Conditions:
Charcot-Marie-Tooth disease dominant intermediate B (CMTDIB). Also called: CHARCOT-MARIE-TOOTH NEUROPATHY, DOMINANT INTERMEDIATE B; Charcot-Marie-Tooth disease dominant intermediate 1; CMT DI1; Charcot-Marie-Tooth disease dominant intermediate I. Identifiers: Orphanet 100044, Orphanet 228179, MedGen C1847902, MONDO:0011674, OMIM 606482.

gnomAD v4.1: 2 of 1,602,992 alleles (0.00012%); highest among the groups gnomAD compares: African/African-American, 0.0013%; no homozygotes.

Submission:

Labcorp Genetics (formerly Invitae), Labcorp
Classification: Uncertain significance for Charcot-Marie-Tooth disease dominant intermediate B. Last evaluated: 2018-05-29. Review status: criteria provided, single submitter. Criteria: Invitae Variant Classification Sherloc (09022015). Collection method: clinical testing. Allele origin: germline.
Comment: In summary, the available evidence is currently insufficient to determine the role of this variant in disease. Therefore, it has been classified as a Variant of Uncertain Significance. Nucleotide substitutions within the consensus splice site are a relatively common cause of aberrant splicing (PMID: 17576681, 9536098). Algorithms developed to predict the effect of sequence changes on RNA splicing suggest that this variant may disrupt the consensus splice site, but this prediction has not been confirmed by published transcriptional studies. This variant has not been reported in the literature in individuals with DNM2-related disease. This variant is not present in population databases (ExAC no frequency). This sequence change falls in intron 15 of the DNM2 gene. It does not directly change the encoded amino acid sequence of the DNM2 protein, but it affects a nucleotide within the consensus splice site of the intron.

Literature cited by the submitters: PubMed 17576681; PubMed 9536098.

NM_001005361.3(DNM2):c.1671+3G>C

Gene: DNM2 (dynamin 2; plus strand). Cytogenetic location: 19p13.2.
Variant type: single nucleotide variant.
Coding change: c.1671+3G>C on transcript NM_001005361.3 (MANE Select); 3 bases into the intron after coding-DNA position 1671, G replaced by C.
Molecular consequence: intron variant.
Genome position (GRCh38, 1-based): chr19:10,812,380, G>C. VCF-style: chr19-10812380-G-C. GRCh37 (hg19) VCF-style: chr19-10923056-G-C.
Other names: c.1671+3G>C (NM_001005360.3, NM_001190716.2); c.1659+3G>C (NM_004945.4, NM_001005362.3).
Identifiers: ClinVar variation 569740 (VCV000569740.6), dbSNP rs942932745, ClinGen allele CA891843567.